The following is an entry in ClinVar:

ClinVar aggregate classification (germline): Pathogenic (1 of 4 stars; one submission).

Conditions:
Oculofaciocardiodental syndrome (MCOPS2). Identifiers: Orphanet 2712, MedGen C1846265, MONDO:0010261, OMIM 300166.

Submission:

Victorian Clinical Genetics Services, Murdoch Childrens Research Institute
Classification: Pathogenic for Oculofaciocardiodental syndrome. Last evaluated: 2022-02-02. Review status: criteria provided, single submitter. Criteria: ACMG Guidelines, 2015. Collection method: clinical testing. Allele origin: germline. Inheritance: X-linked dominant inheritance.
Comment: Based on the classification scheme VCGS_Germline_v1.3.4, this variant is classified as Pathogenic. Following criteria are met: 0102 - Loss of function is a known mechanism of disease in this gene and is associated with syndromic microphthalmia 2 (MIM#300166). (I) 0110 - This gene is associated with X-linked dominant disease. (I) 0201 - Variant is predicted to cause nonsense-mediated decay (NMD) and loss of protein (premature termination codon is located at least 54 nucleotides upstream of the final exon-exon junction). (SP) 0251 - This variant is heterozygous. (I) 0301 - Variant is absent from gnomAD (both v2 and v3). (SP) 0701 - Other premature termination variants comparable to the one identified in this case have very strong previous evidence for pathogenicity. Many NMD-predicted variants have been reported as likely pathogenic/pathogenic (ClinVar, DECIPHER). (SP) 0807 - This variant has no previous evidence of pathogenicity. (I) 0905 - No published segregation evidence has been identified for this variant. (I) 1007 - No published functional evidence has been identified for this variant. (I) 1208 - Inheritance information for this variant is not currently available in this individual. (I) Legend: (SP) - Supporting pathogenic, (I) - Information, (SB) - Supporting benign

NM_001123385.2(BCOR):c.3165_3166delinsC (p.Lys1055fs)

Gene: BCOR (BCL6 corepressor; minus strand). Cytogenetic location: Xp11.4.
Variant type: Indel.
Coding change: c.3165_3166delinsC on transcript NM_001123385.2 (MANE Select); coding-DNA positions 3165 to 3166, AG replaced by C.
Protein change: p.Lys1055fs; shifts the reading frame from lysine 1055.
Molecular consequence: frameshift variant.
Genome position (GRCh38, 1-based): chrX:40,071,045-40,071,046, CT replaced by G on the plus strand (AG replaced by C on the coding strand, the reverse complement: BCOR is on the minus strand). VCF-style: chrX-40071045-CT-G. GRCh37 (hg19) VCF-style: chrX-39930298-CT-G.
Other names: c.3165_3166delAGinsC, p.Lys1055Asnfs (NM_001123383.2); c.3111_3112delinsC, p.Lys1037fs (NM_001123384.2); c.3165_3166delinsC, p.Lys1055fs (NM_017745.6); short protein forms K1037fs, K1055fs.
Identifiers: ClinVar variation 1805189 (VCV001805189.1), dbSNP rs2519848724, ClinGen allele CA2573050720.
Genomic context (GRCh38, chrX:40,071,045, plus strand): 5'-CGTTCTGTTCTGCAATGGCCTCCTCCAGGGTGACCGACTTTGGCTTTTTGTCCTGATTTC[CT>G]TTCAACCTTTCCCAGTCGGCTGGGCTGAATTTGCACATCTCGGAGTCTTTGGTTGCTGGG-3'